The following is an entry in ClinVar:

NM_173628.4(DNAH17):c.4114-8dup

Genes: DNAH17 (dynein axonemal heavy chain 17; minus strand), LOC126862655 (P300/CBP strongly-dependent group 1 enhancer GRCh37_chr17:76506209-76507408; plus strand). Cytogenetic location: 17q25.3.
Variant type: Duplication.
Coding change: c.4114-8dup on transcript NM_173628.4 (MANE Select); 8 bases into the intron before coding-DNA position 4114, one base duplicated (T; older notation c.4114-8dupT).
Molecular consequence: intron variant.
Genome position (GRCh38, 1-based): chr17:78,510,514, A duplicated on the plus strand (T on the coding strand, the reverse complement: DNAH17 is on the minus strand); the first of 7 consecutive A bases (chr17:78,510,514-78,510,520); duplicating any one gives the same sequence. VCF-style (leftmost placement, unchanged base first): chr17-78510513-G-GA. GRCh37 (hg19) VCF-style: chr17-76506595-G-GA.
Identifiers: ClinVar variation 3037578 (VCV003037578.2), dbSNP rs746960296, ClinGen allele CA8803877.

ClinVar aggregate classification (germline): Likely benign (0 of 4 stars; one submission).

Conditions:
DNAH17-related disorder. Also called: DNAH17-related condition.

Submission:

PreventionGenetics, part of Exact Sciences
Classification: Likely benign for DNAH17-related condition. Last evaluated: 2019-05-02. Review status: no assertion criteria provided. Collection method: clinical testing. Allele origin: germline.
Comment: This variant is classified as likely benign based on ACMG/AMP sequence variant interpretation guidelines (Richards et al. 2015 PMID: 25741868, with internal and published modifications).